The following is an entry in ClinVar:

ClinVar aggregate classification (germline): Pathogenic/Likely pathogenic. Review status: criteria provided, multiple submitters, no conflicts (2 of 4 stars). 2 submissions from 2 submitters: Pathogenic (1); Likely pathogenic (1). Last evaluated 2025-03-23.

Conditions:
Dilated cardiomyopathy 1G (CMD1G). Identifiers: Orphanet 154, MedGen C1858763, MONDO:0011400, OMIM 604145.
Autosomal recessive limb-girdle muscular dystrophy type 2J (LGMDR10). Also called: MUSCULAR DYSTROPHY, LIMB-GIRDLE, AUTOSOMAL RECESSIVE 10; Limb-girdle muscular dystrophy, type 2J. Identifiers: Orphanet 140922, MedGen C1837342, MONDO:0012127, OMIM 608807.

Submissions (2):

GeneDx
Classification: Pathogenic. Last evaluated: 2025-03-23. Review status: criteria provided, single submitter. Criteria: GeneDx Variant Classification Process June 2021. Collection method: clinical testing. Allele origin: germline. Affected: yes.
Comment: Not observed at significant frequency in large population cohorts (gnomAD); Has not been previously published as pathogenic or benign to our knowledge; Nonsense variant predicted to result in protein truncation or nonsense mediated decay in a gene for which loss of function is a known mechanism of disease; Located in the A-band, a region of TTN for which truncating variants are significantly associated with autosomal dominant cardiomyopathy and also with autosomal recessive skeletal myopathies (PMID: 22335739, 32778822); This variant is associated with the following publications: (PMID: 22335739, 32778822)

Labcorp Genetics (formerly Invitae), Labcorp
Classification: Likely pathogenic for Dilated cardiomyopathy 1G; Autosomal recessive limb-girdle muscular dystrophy type 2J. Last evaluated: 2024-04-16. Review status: criteria provided, single submitter. Criteria: Invitae Variant Classification Sherloc (09022015). Collection method: clinical testing. Allele origin: germline.
Comment: This sequence change creates a premature translational stop signal (p.Tyr29760*) in the TTN gene. While this is not anticipated to result in nonsense mediated decay, it is expected to create a truncated TTN protein. This variant is not present in population databases (gnomAD no frequency). This variant has not been reported in the literature in individuals affected with TTN-related conditions. ClinVar contains an entry for this variant (Variation ID: 202526). This variant is located in the A band of TTN (PMID: 25589632). Truncating variants in this region are significantly overrepresented in patients affected with dilated cardiomyopathy (PMID: 25589632). Truncating variants in this region have also been reported in individuals affected with autosomal recessive centronuclear myopathy (PMID: 23975875). In summary, the currently available evidence indicates that the variant is pathogenic, but additional data are needed to prove that conclusively. Therefore, this variant has been classified as Likely Pathogenic.

Literature cited by the submitters: PubMed 25589632 (cited by Labcorp Genetics (formerly Invitae), Labcorp); PubMed 23975875 (cited by Labcorp Genetics (formerly Invitae), Labcorp).

NM_001267550.2(TTN):c.89280T>A (p.Tyr29760Ter)

Genes: TTN (titin; minus strand), TTN-AS1 (TTN antisense RNA 1; plus strand). Cytogenetic location: 2q31.2.
Variant type: single nucleotide variant.
Coding change: c.89280T>A on transcript NM_001267550.2 (MANE Select); coding-DNA position 89280, T replaced by A.
Protein change: p.Tyr29760Ter; replaces tyrosine 29760 with a stop codon.
Molecular consequence: nonsense.
Genome position (GRCh38, 1-based): chr2:178,553,725, A>T on the plus strand (T>A on the coding strand, the complement: TTN is on the minus strand). VCF-style: chr2-178553725-A-T. GRCh37 (hg19) VCF-style: chr2-179418452-A-T.
Other names: p.Y28119*:TAT>TAA; c.84357T>A, p.Tyr28119Ter (NM_001256850.1); c.62085T>A, p.Tyr20695Ter (NM_003319.4); c.81576T>A, p.Tyr27192Ter (NM_133378.4); c.62460T>A, p.Tyr20820Ter (NM_133432.3); c.62661T>A, p.Tyr20887Ter (NM_133437.4); short protein forms Y28119*, Y29760*, Y20695*, Y20887*, Y27192*, Y20820*.
Identifiers: ClinVar variation 202526 (VCV000202526.11), dbSNP rs794729385, ClinGen allele CA309511.